The following is an entry in ClinVar:

ClinVar aggregate classification (germline): Likely pathogenic (1 of 4 stars; one submission).

Submission:

Labcorp Genetics (formerly Invitae), Labcorp
Classification: Likely pathogenic. Last evaluated: 2024-05-15. Review status: criteria provided, single submitter. Criteria: Invitae Variant Classification Sherloc (09022015). Collection method: clinical testing. Allele origin: germline.
Comment: This sequence change affects an acceptor splice site in intron 16 of the DRP2 gene. It is expected to disrupt RNA splicing. Variants that disrupt the donor or acceptor splice site typically lead to a loss of protein function (PMID: 16199547), and loss-of-function variants in DRP2 are known to be pathogenic (PMID: 22764250, 26227883). This variant is not present in population databases (gnomAD no frequency). This variant has not been reported in the literature in individuals affected with DRP2-related conditions. Algorithms developed to predict the effect of sequence changes on RNA splicing suggest that this variant may disrupt the consensus splice site. In summary, the currently available evidence indicates that the variant is pathogenic, but additional data are needed to prove that conclusively. Therefore, this variant has been classified as Likely Pathogenic.

Literature cited by the submitters: PubMed 16199547; PubMed 22764250; PubMed 26227883.

NM_001939.3(DRP2):c.1866-1G>A

Gene: DRP2 (dystrophin related protein 2; plus strand). Cytogenetic location: Xq22.1.
Variant type: single nucleotide variant.
Coding change: c.1866-1G>A on transcript NM_001939.3 (MANE Select); the canonical splice acceptor site of the intron before coding-DNA position 1866, G replaced by A.
Molecular consequence: splice acceptor variant.
Genome position (GRCh38, 1-based): chrX:101,252,604, G>A. VCF-style: chrX-101252604-G-A. GRCh37 (hg19) VCF-style: chrX-100507593-G-A.
Other names: c.1632-1G>A (NM_001171184.2).
Identifiers: ClinVar variation 3684454 (VCV003684454.2).